The following is an entry in ClinVar:

NM_001457.4(FLNB):c.4712A>G (p.Asn1571Ser)

Gene: FLNB (filamin B; plus strand). Cytogenetic location: 3p14.3.
Variant type: single nucleotide variant.
Coding change: c.4712A>G on transcript NM_001457.4 (MANE Select); coding-DNA position 4712, A replaced by G.
Protein change: p.Asn1571Ser; replaces asparagine 1571 with serine.
Molecular consequence: missense variant.
Genome position (GRCh38, 1-based): chr3:58,136,019, A>G. VCF-style: chr3-58136019-A-G. GRCh37 (hg19) VCF-style: chr3-58121746-A-G.
Other names: c.4805A>G, p.Asn1602Ser (NM_001164317.2); c.4712A>G, p.Asn1571Ser (NM_001164318.2, NM_001164319.2); short protein forms N1602S, N1571S.
Identifiers: ClinVar variation 3021869 (VCV003021869.3), dbSNP rs1416068541, ClinGen allele CA353352002.

ClinVar aggregate classification (germline): Uncertain significance (1 of 4 stars; one submission).

Allele frequency attached by ClinVar (database versions not stated): gnomAD exomes below 0.00001; TOPMed below 0.00001.
gnomAD v4.1: 4 of 1,614,140 alleles (0.00025%); highest among the groups gnomAD compares: South Asian, 0.0011%; no homozygotes.

Submission:

Labcorp Genetics (formerly Invitae), Labcorp
Classification: Uncertain significance. Last evaluated: 2025-07-25. Review status: criteria provided, single submitter. Criteria: Invitae Variant Classification Sherloc (09022015). Collection method: clinical testing. Allele origin: germline.
Comment: This sequence change replaces asparagine, which is neutral and polar, with serine, which is neutral and polar, at codon 1571 of the FLNB protein (p.Asn1571Ser). This variant is not present in population databases (gnomAD no frequency). This variant has not been reported in the literature in individuals affected with FLNB-related conditions. ClinVar contains an entry for this variant (Variation ID: 3021869). Invitae Evidence Modeling of protein sequence and biophysical properties (such as structural, functional, and spatial information, amino acid conservation, physicochemical variation, residue mobility, and thermodynamic stability) indicates that this missense variant is not expected to disrupt FLNB protein function with a negative predictive value of 95%. In summary, the available evidence is currently insufficient to determine the role of this variant in disease. Therefore, it has been classified as a Variant of Uncertain Significance.